The following is an entry in ClinVar:

ClinVar aggregate classification (germline): Conflicting classifications of pathogenicity. Review status: criteria provided, conflicting classifications (1 of 4 stars). 2 submissions from 2 submitters: Uncertain significance (1); Likely benign (1). Last evaluated 2025-10-05.

Conditions:
Hereditary cancer-predisposing syndrome. Also called: Tumor predisposition; Neoplastic Syndromes, Hereditary; Hereditary neoplastic syndrome; Hereditary Cancer Syndrome. Identifiers: Orphanet 140162, MedGen C0027672, MeSH D009386, MONDO:0015356.
Gastrointestinal stromal tumor. Also called: Gastrointestinal stromal tumor, somatic; Gastrointestinal stroma tumor. Identifiers: Orphanet 44890, MedGen C0238198, MeSH D046152, MONDO:0011719, OMIM 606764, HP:0100723.

Submissions (2):

Labcorp Genetics (formerly Invitae), Labcorp
Classification: Uncertain significance for Gastrointestinal stromal tumor. Last evaluated: 2025-10-05. Review status: criteria provided, single submitter. Criteria: Invitae Variant Classification Sherloc (09022015). Collection method: clinical testing. Allele origin: germline.
Comment: This sequence change replaces aspartic acid, which is acidic and polar, with glycine, which is neutral and non-polar, at codon 129 of the KIT protein (p.Asp129Gly). This variant is not present in population databases (gnomAD no frequency). This variant has not been reported in the literature in individuals affected with KIT-related conditions. ClinVar contains an entry for this variant (Variation ID: 1024338). An algorithm developed to predict the effect of missense changes on protein structure and function outputs the following: PolyPhen-2: "Benign". The glycine amino acid residue is found in multiple mammalian species, which suggests that this missense change does not adversely affect protein function. In summary, the available evidence is currently insufficient to determine the role of this variant in disease. Therefore, it has been classified as a Variant of Uncertain Significance.

Ambry Genetics
Classification: Likely benign for Hereditary cancer-predisposing syndrome. Last evaluated: 2020-01-13. Review status: criteria provided, single submitter. Criteria: Ambry Variant Classification Scheme 2023. Collection method: clinical testing. Allele origin: germline.

NM_000222.3(KIT):c.386A>G (p.Asp129Gly)

Gene: KIT (KIT proto-oncogene, receptor tyrosine kinase; plus strand). Cytogenetic location: 4q12.
Variant type: single nucleotide variant.
Coding change: c.386A>G on transcript NM_000222.3 (MANE Select); coding-DNA position 386, A replaced by G.
Protein change: p.Asp129Gly; replaces aspartic acid 129 with glycine.
Molecular consequence: missense variant.
Genome position (GRCh38, 1-based): chr4:54,698,332, A>G. VCF-style: chr4-54698332-A-G. GRCh37 (hg19) VCF-style: chr4-55564498-A-G.
Other names: c.386A>G, p.Asp129Gly (NM_001093772.2, NM_001385284.1, NM_001385285.1 and 4 more transcripts); short protein forms D129G.
Identifiers: ClinVar variation 1024338 (VCV001024338.17), dbSNP rs948408318, ClinGen allele CA96847806.
Genomic context (GRCh38, chr4:54,698,332, plus strand): 5'-ATGCTTCTATAGATCCTGCCAAGCTTTTCCTTGTTGACCGCTCCTTGTATGGGAAAGAAG[A>G]CAACGACACGCTGGTCCGCTGTCCTCTCACAGACCCAGAAGTGACCAATTATTCCCTCAA-3'
Protein context (NP_000213.1, residues 119-139): LVDRSLYGKE[Asp129Gly]NDTLVRCPLT